The following is an entry in ClinVar:

ClinVar aggregate classification (germline): Uncertain significance (1 of 4 stars; one submission).

Conditions:
Inborn genetic diseases. Identifiers: MedGen C0950123, MeSH D030342.

Submission:

Ambry Genetics
Classification: Uncertain significance for Inborn genetic diseases. Last evaluated: 2021-12-10. Review status: criteria provided, single submitter. Criteria: Ambry Variant Classification Scheme 2023. Collection method: clinical testing. Allele origin: germline.
Comment: The p.E2564D variant (also known as c.7692A>T), located in coding exon 46 of the ATR gene, results from an A to T substitution at nucleotide position 7692. The glutamic acid at codon 2564 is replaced by aspartic acid, an amino acid with highly similar properties. This amino acid position is conserved. In addition, the in silico prediction for this alteration is inconclusive. Since supporting evidence is limited at this time, the clinical significance of this alteration remains unclear.

NM_001184.4(ATR):c.7692A>T (p.Glu2564Asp)

Gene: ATR (ATR checkpoint kinase; minus strand). Cytogenetic location: 3q23.
Variant type: single nucleotide variant.
Coding change: c.7692A>T on transcript NM_001184.4 (MANE Select); coding-DNA position 7692, A replaced by T.
Protein change: p.Glu2564Asp; replaces glutamic acid 2564 with aspartic acid.
Molecular consequence: missense variant.
Genome position (GRCh38, 1-based): chr3:142,453,197, T>A on the plus strand (A>T on the coding strand, the complement: ATR is on the minus strand). VCF-style: chr3-142453197-T-A. GRCh37 (hg19) VCF-style: chr3-142172039-T-A.
Other names: c.7500A>T, p.Glu2500Asp (NM_001354579.2); short protein forms E2500D, E2564D.
Identifiers: ClinVar variation 1760161 (VCV001760161.2), dbSNP rs1272166149, ClinGen allele CA354794165.
Genomic context (GRCh38, chr3:142,453,197, plus strand): 5'-GACAACTTCTCCAGTTTCATTCAGTGGCGCTTTGGAATGCCCTTTCACTGGTTTACTCCA[T>A]TCCACAAGAGGATCATGTAGAAAAGTCTTTAAGACACTAAAATTGAAACAAATATTATGG-3'
Protein context (NP_001175.2, residues 2554-2574): LKTFLHDPLV[Glu2564Asp]WSKPVKGHSK